The following is an entry in ClinVar:

NM_001754.5(RUNX1):c.640A>G (p.Thr214Ala)

Gene: RUNX1 (RUNX family transcription factor 1; minus strand). Cytogenetic location: 21q22.12.
Variant type: single nucleotide variant.
Coding change: c.640A>G on transcript NM_001754.5 (MANE Select); coding-DNA position 640, A replaced by G.
Protein change: p.Thr214Ala; replaces threonine 214 with alanine.
Molecular consequence: missense variant.
Genome position (GRCh38, 1-based): chr21:34,834,575, T>C on the plus strand (A>G on the coding strand, the complement: RUNX1 is on the minus strand). VCF-style: chr21-34834575-T-C. GRCh37 (hg19) VCF-style: chr21-36206872-T-C.
Other names: NM_001754.5(RUNX1):c.640A>G; p.Thr214Ala; c.559A>G, p.Thr187Ala (NM_001001890.3, NM_001122607.2); short protein forms T187A, T214A.
Identifiers: ClinVar variation 3791506 (VCV003791506.1).
Genomic context (GRCh38, chr21:34,834,575, plus strand): 5'-TGCGCCGCAGCTGCTCCAGTTCACTGAGCCGCTCGGAAAAGGACAAGCTCCCGGGCTTGG[T>C]CTGATCATCTAGTTTCTGCCGATGTCCTATTGTGGGGAGCAGGGAGGGGAGGGGATGGGG-3'
Protein context (NP_001745.2, residues 204-224): RRHRQKLDDQ[Thr214Ala]KPGSLSFSER

ClinVar aggregate classification (germline): Uncertain significance. Review status: reviewed by expert panel (3 of 4 stars). 2 submissions from 2 submitters: Uncertain significance (1). 1 of the submissions does not count toward it. Last evaluated 2025-07-14.

Conditions:
Hereditary thrombocytopenia and hematologic cancer predisposition syndrome. Identifiers: Orphanet 71290, MedGen CN281654, MONDO:0011071.
Inborn genetic diseases. Identifiers: MedGen C0950123, MeSH D030342.

Submissions (2):

ClinGen Myeloid Malignancy Variant Curation Expert Panel
Classification: Uncertain significance for Hereditary thrombocytopenia and hematologic cancer predisposition syndrome. Last evaluated: 2025-07-14. Review status: reviewed by expert panel. Criteria: ClinGen MyeloMalig ACMG Specifications v2. Collection method: curation. Allele origin: germline. Inheritance: Autosomal dominant inheritance.
Comment: NM_001754.5(RUNX1):c.640A>G (p.Thr214Ala) is a missense variant which has a REVEL score < 0.50 (0.374), and a SpliceAI score ≤ 0.20 (0.01) (BP4). This variant is completely absent from all population databases with at least 20x coverage for RUNX1 (PM2_Supporting). In summary, the clinical significance of this variant is uncertain. ACMG/AMP criteria applied, as specified by the Myeloid Malignancy Variant Curation Expert Panel for RUNX1: BP4, PM2_supporting.

Ambry Genetics
Classification: Uncertain significance for Inborn genetic diseases. Last evaluated: 2025-02-12. Review status: criteria provided, single submitter. Criteria: Ambry Variant Classification Scheme 2023. Collection method: clinical testing. Allele origin: germline. Not counted in ClinVar's aggregate classification.
Comment: The p.T214A variant (also known as c.640A>G), located in coding exon 6 of the RUNX1 gene, results from an A to G substitution at nucleotide position 640. The threonine at codon 214 is replaced by alanine, an amino acid with similar properties. This amino acid position is conserved. In addition, the in silico prediction for this alteration is inconclusive. Based on the available evidence, the clinical significance of this variant remains unclear.